The following is an entry in ClinVar:

ClinVar aggregate classification (germline): Uncertain significance. Review status: criteria provided, multiple submitters, no conflicts (2 of 4 stars). 2 submissions from 2 submitters: Uncertain significance (2). Last evaluated 2025-05-08.

Conditions:
Cystic fibrosis (CF). Also called: MUCOVISCIDOSIS. Identifiers: Orphanet 586, MedGen C0010674, MONDO:0009061, OMIM 219700. Disease mechanism: loss of function.

Submissions (2):

Ambry Genetics
Classification: Uncertain significance for Cystic fibrosis. Last evaluated: 2025-05-08. Review status: criteria provided, single submitter. Criteria: Ambry Variant Classification Scheme 2023. Collection method: clinical testing. Allele origin: germline.
Comment: The p.L818V variant (also known as c.2452T>G), located in coding exon 14 of the CFTR gene, results from a T to G substitution at nucleotide position 2452. The leucine at codon 818 is replaced by valine, an amino acid with highly similar properties. This amino acid position is conserved. In addition, the in silico prediction for this alteration is inconclusive. Since supporting evidence is limited at this time, the clinical significance of this alteration remains unclear.

Labcorp Genetics (formerly Invitae), Labcorp
Classification: Uncertain significance for Cystic fibrosis. Last evaluated: 2021-12-27. Review status: criteria provided, single submitter. Criteria: Invitae Variant Classification Sherloc (09022015). Collection method: clinical testing. Allele origin: germline.
Comment: This sequence change replaces leucine, which is neutral and non-polar, with valine, which is neutral and non-polar, at codon 818 of the CFTR protein (p.Leu818Val). This variant is not present in population databases (gnomAD no frequency). This variant has not been reported in the literature in individuals affected with CFTR-related conditions. Algorithms developed to predict the effect of missense changes on protein structure and function are either unavailable or do not agree on the potential impact of this missense change (SIFT: "Deleterious"; PolyPhen-2: "Benign"; Align-GVGD: "Class C0"). In summary, the available evidence is currently insufficient to determine the role of this variant in disease. Therefore, it has been classified as a Variant of Uncertain Significance.

NM_000492.4(CFTR):c.2452T>G (p.Leu818Val)

Gene: CFTR (CF transmembrane conductance regulator; plus strand). Cytogenetic location: 7q31.2.
Variant type: single nucleotide variant.
Coding change: c.2452T>G on transcript NM_000492.4 (MANE Select); coding-DNA position 2452, T replaced by G.
Protein change: p.Leu818Val; replaces leucine 818 with valine.
Molecular consequence: missense variant.
Genome position (GRCh38, 1-based): chr7:117,592,619, T>G. VCF-style: chr7-117592619-T-G. GRCh37 (hg19) VCF-style: chr7-117232673-T-G.
Other names: short protein forms L818V.
Identifiers: ClinVar variation 1791516 (VCV001791516.5), dbSNP rs2485110875, ClinGen allele CA368981396.